The following is an entry in ClinVar:

ClinVar aggregate classification (germline): Uncertain significance (1 of 4 stars; one submission).

gnomAD v4.1: 1 of 1,612,430 alleles (0.000062%); no homozygotes.

Submission:

GeneDx
Classification: Uncertain significance. Last evaluated: 2025-07-01. Review status: criteria provided, single submitter. Criteria: GeneDx Variant Classification Process June 2021. Collection method: clinical testing. Allele origin: germline. Affected: yes.
Comment: Not observed at significant frequency in large population cohorts (gnomAD); In silico analysis supports that this missense variant has a deleterious effect on protein structure/function; Has not been previously published as pathogenic or benign to our knowledge

NM_001009944.3(PKD1):c.4695C>G (p.Ser1565Arg)

Gene: PKD1 (polycystin 1, transient receptor potential channel interacting; minus strand). Cytogenetic location: 16p13.3.
Variant type: single nucleotide variant.
Coding change: c.4695C>G on transcript NM_001009944.3 (MANE Select); coding-DNA position 4695, C replaced by G.
Protein change: p.Ser1565Arg; replaces serine 1565 with arginine.
Molecular consequence: missense variant.
Genome position (GRCh38, 1-based): chr16:2,110,472, G>C on the plus strand (C>G on the coding strand, the complement: PKD1 is on the minus strand). VCF-style: chr16-2110472-G-C. GRCh37 (hg19) VCF-style: chr16-2160473-G-C.
Other names: c.4695C>G, p.Ser1565Arg (NM_000296.4); short protein forms S1565R.
Identifiers: ClinVar variation 4681012 (VCV004681012.1).
Genomic context (GRCh38, chr16:2,110,472, plus strand): 5'-ACAGAGCACCCAGGAATAGCGCACATCACTGCCGGCCTCCAGCGACGTGCTGAAGCTCAC[G>C]CTCCCATTCAGGGGCACCACCGTGCGGCTTGCATTGACGACGAGCCCCCGCACGCGCCGC-3'
Protein context (NP_001009944.3, residues 1555-1575): ASRTVVPLNG[Ser1565Arg]VSFSTSLEAG